The following is an entry in ClinVar:

ClinVar aggregate classification (germline): Uncertain significance. Review status: criteria provided, multiple submitters, no conflicts (2 of 4 stars). 2 submissions from 2 submitters: Uncertain significance (2). Last evaluated 2026-01-06.

Conditions:
Progressive familial heart block type IB (PFHB1B). Identifiers: Orphanet 871, MedGen C1970298, MONDO:0011474, OMIM 604559.
Cardiovascular phenotype. Identifiers: MedGen CN230736.

Allele frequency attached by ClinVar (database versions not stated): gnomAD 0.00002; TOPMed 0.00003.
gnomAD v4.1: 19 of 1,614,042 alleles (0.0012%); highest among the groups gnomAD compares: African/African-American, 0.0027%; no homozygotes.

Submissions (2):

Labcorp Genetics (formerly Invitae), Labcorp
Classification: Uncertain significance for Progressive familial heart block type IB. Last evaluated: 2026-01-06. Review status: criteria provided, single submitter. Criteria: Invitae Variant Classification Sherloc (09022015). Collection method: clinical testing. Allele origin: germline.
Comment: This sequence change replaces arginine, which is basic and polar, with cysteine, which is neutral and slightly polar, at codon 632 of the TRPM4 protein (p.Arg632Cys). This variant is not present in population databases (gnomAD no frequency). This variant has not been reported in the literature in individuals affected with TRPM4-related conditions. ClinVar contains an entry for this variant (Variation ID: 1445075). An algorithm developed to predict the effect of missense changes on protein structure and function (PolyPhen-2) suggests that this variant is likely to be disruptive. In summary, the available evidence is currently insufficient to determine the role of this variant in disease. Therefore, it has been classified as a Variant of Uncertain Significance.

Ambry Genetics
Classification: Uncertain significance for Cardiovascular phenotype. Last evaluated: 2025-07-21. Review status: criteria provided, single submitter. Criteria: Ambry Variant Classification Scheme 2023. Collection method: clinical testing. Allele origin: germline.
Comment: The p.R632C variant (also known as c.1894C>T), located in coding exon 14 of the TRPM4 gene, results from a C to T substitution at nucleotide position 1894. The arginine at codon 632 is replaced by cysteine, an amino acid with highly dissimilar properties. This amino acid position is not well conserved in available vertebrate species. In addition, this alteration is predicted to be tolerated by in silico analysis. Since supporting evidence is limited at this time, the clinical significance of this alteration remains unclear.

NM_017636.4(TRPM4):c.1894C>T (p.Arg632Cys)

Gene: TRPM4 (transient receptor potential cation channel subfamily M member 4; plus strand). Cytogenetic location: 19q13.33.
Variant type: single nucleotide variant.
Coding change: c.1894C>T on transcript NM_017636.4 (MANE Select); coding-DNA position 1894, C replaced by T.
Protein change: p.Arg632Cys; replaces arginine 632 with cysteine.
Molecular consequence: missense variant.
Genome position (GRCh38, 1-based): chr19:49,188,966, C>T. VCF-style: chr19-49188966-C-T. GRCh37 (hg19) VCF-style: chr19-49692223-C-T.
Other names: c.1894C>T, p.Arg632Cys (NM_001195227.2); c.1549C>T, p.Arg517Cys (NM_001321281.2); c.286C>T, p.Arg96Cys (NM_001321282.2); c.1372C>T, p.Arg458Cys (NM_001321283.2); c.832C>T, p.Arg278Cys (NM_001321285.2); c.1894C>T (NM_017636.3); short protein forms R278C, R517C, R632C, R458C, R96C.
Identifiers: ClinVar variation 1445075 (VCV001445075.8), dbSNP rs1287233315, ClinGen allele CA406803625.